The following is an entry in ClinVar:

NM_000632.4(ITGAM):c.1184T>C (p.Val395Ala)

Gene: ITGAM (integrin subunit alpha M; plus strand). Cytogenetic location: 16p11.2.
Variant type: single nucleotide variant.
Coding change: c.1184T>C on transcript NM_000632.4 (MANE Select); coding-DNA position 1184, T replaced by C.
Protein change: p.Val395Ala; replaces valine 395 with alanine.
Molecular consequence: missense variant.
Genome position (GRCh38, 1-based): chr16:31,277,020, T>C. VCF-style: chr16-31277020-T-C. GRCh37 (hg19) VCF-style: chr16-31288341-T-C.
Other names: c.1184T>C, p.Val395Ala (NM_001145808.2); short protein forms V395A.
Identifiers: ClinVar variation 2096757 (VCV002096757.4), dbSNP rs1318101931, ClinGen allele CA395699664.

ClinVar aggregate classification (germline): Uncertain significance (1 of 4 stars; one submission).

Allele frequency attached by ClinVar (database versions not stated): gnomAD exomes below 0.00001; gnomAD 0.00001.
gnomAD v4.1: 3 of 1,612,498 alleles (0.00019%); highest among the groups gnomAD compares: Admixed American, 0.005%; no homozygotes.

Submission:

Labcorp Genetics (formerly Invitae), Labcorp
Classification: Uncertain significance. Last evaluated: 2022-02-11. Review status: criteria provided, single submitter. Criteria: Invitae Variant Classification Sherloc (09022015). Collection method: clinical testing. Allele origin: germline.
Comment: Algorithms developed to predict the effect of missense changes on protein structure and function (SIFT, PolyPhen-2, Align-GVGD) all suggest that this variant is likely to be disruptive. In summary, the available evidence is currently insufficient to determine the role of this variant in disease. Therefore, it has been classified as a Variant of Uncertain Significance. This sequence change replaces valine, which is neutral and non-polar, with alanine, which is neutral and non-polar, at codon 395 of the ITGAM protein (p.Val395Ala). This variant is present in population databases (no rsID available, gnomAD 0.006%). This variant has not been reported in the literature in individuals affected with ITGAM-related conditions.